The following is an entry in ClinVar:

ClinVar aggregate classification (germline): Uncertain significance (1 of 4 stars; one submission).

gnomAD v4.1: 2 of 1,564,638 alleles (0.00013%); highest among the groups gnomAD compares: Non-Finnish European, 0.00017%; no homozygotes.

Submission:

Labcorp Genetics (formerly Invitae), Labcorp
Classification: Uncertain significance. Last evaluated: 2022-07-19. Review status: criteria provided, single submitter. Criteria: Invitae Variant Classification Sherloc (09022015). Collection method: clinical testing. Allele origin: germline.
Comment: This variant is present in population databases (no rsID available, gnomAD 0.007%). This sequence change replaces proline, which is neutral and non-polar, with arginine, which is basic and polar, at codon 38 of the SAMD11 protein (p.Pro38Arg). This variant has not been reported in the literature in individuals affected with SAMD11-related conditions. ClinVar contains an entry for this variant (Variation ID: 1380424). Algorithms developed to predict the effect of missense changes on protein structure and function are either unavailable or do not agree on the potential impact of this missense change (SIFT: "Tolerated"; PolyPhen-2: "Probably Damaging"; Align-GVGD: "Class C0"). In summary, the available evidence is currently insufficient to determine the role of this variant in disease. Therefore, it has been classified as a Variant of Uncertain Significance.

NM_001385641.1(SAMD11):c.650C>G (p.Pro217Arg)

Gene: SAMD11 (sterile alpha motif domain containing 11; plus strand). Cytogenetic location: 1p36.33.
Variant type: single nucleotide variant.
Coding change: c.650C>G on transcript NM_001385641.1 (MANE Select); coding-DNA position 650, C replaced by G.
Protein change: p.Pro217Arg; replaces proline 217 with arginine.
Molecular consequence: missense variant.
Genome position (GRCh38, 1-based): chr1:930,195, C>G. VCF-style: chr1-930195-C-G. GRCh37 (hg19) VCF-style: chr1-865575-C-G.
Other names: c.650C>G, p.Pro217Arg (NM_001385640.1); c.113C>G, p.Pro38Arg (NM_152486.4); short protein forms P217R, P38R.
Identifiers: ClinVar variation 1380424 (VCV001380424.4), dbSNP rs143052291, ClinGen allele CA16706953.
Genomic context (GRCh38, chr1:930,195, plus strand): 5'-CTCTCCTCCTGCCCCACCAGAACCGGGGGCGGCTGGCAGACAAGAGGACAGTCGCCCTGC[C>G]TGCCGCCCGGAACCTGAAGAAGGAGCGAACTCCCAGCTTCTCTGCCAGCGATGGTGACAG-3'
Protein context (NP_001372570.1, residues 207-227): RLADKRTVAL[Pro217Arg]AARNLKKERT